The following is an entry in ClinVar:

NM_001184900.3(CARD8):c.1057C>T (p.Arg353Cys)

Gene: CARD8 (caspase recruitment domain family member 8; minus strand). Cytogenetic location: 19q13.33.
Variant type: single nucleotide variant.
Coding change: c.1057C>T on transcript NM_001184900.3 (MANE Select); coding-DNA position 1057, C replaced by T.
Protein change: p.Arg353Cys; replaces arginine 353 with cysteine.
Molecular consequence: missense variant. On other transcripts: non-coding transcript variant (3).
Genome position (GRCh38, 1-based): chr19:48,221,834, G>A on the plus strand (C>T on the coding strand, the complement: CARD8 is on the minus strand). VCF-style: chr19-48221834-G-A. GRCh37 (hg19) VCF-style: chr19-48725091-G-A.
Other names: c.1057C>T (NM_001184900.1); c.907C>T, p.Arg303Cys (NM_001184901.1, NM_001351783.2, NM_001351788.2 and 2 more transcripts); c.1057C>T, p.Arg353Cys (NM_001184902.2, NM_001184903.1, NM_001351782.2); c.742C>T, p.Arg248Cys (NM_001351784.2, NM_001351787.2, NM_001351791.2 and 1 more transcripts); c.721C>T, p.Arg241Cys (NM_001351786.2); c.814C>T, p.Arg272Cys (NM_001351790.2); c.739C>T, p.Arg247Cys (NM_001365950.1); short protein forms R248C, R241C, R303C, R247C, R272C, R353C.
Identifiers: ClinVar variation 2176873 (VCV002176873.6), dbSNP rs140937765, ClinGen allele CA9547807.
Genomic context (GRCh38, chr19:48,221,834, plus strand): 5'-TGGAACCAAAGTTCAGGGGTTCCATTGGGGGCGAAGTCTGCAGGCGCACACCATGGAAGC[G>A]ATCTTCCTCATCATCTATCGCCTAAGGAAGAAGGGGCAGAAACATTAGAGAGCACAAAAA-3'
Protein context (NP_001171829.1, residues 343-363): LTKAIDDEED[Arg353Cys]FHGVRLQTSP

ClinVar aggregate classification (germline): Uncertain significance. Review status: criteria provided, multiple submitters, no conflicts (2 of 4 stars). 3 submissions from 3 submitters: Uncertain significance (3). Last evaluated 2025-07-10.

Conditions:
CARD8-related disorder. Also called: CARD8-related condition.

Allele frequency attached by ClinVar (database versions not stated): ESP Exome Variant Server 0.00008.
gnomAD v4.1: 75 of 1,602,988 alleles (0.0047%); highest among the groups gnomAD compares: Non-Finnish European, 0.0061%; no homozygotes.

Submissions (3):

Labcorp Genetics (formerly Invitae), Labcorp
Classification: Uncertain significance. Last evaluated: 2025-07-10. Review status: criteria provided, single submitter. Criteria: Invitae Variant Classification Sherloc (09022015). Collection method: clinical testing. Allele origin: germline.
Comment: This sequence change replaces arginine, which is basic and polar, with cysteine, which is neutral and slightly polar, at codon 303 of the CARD8 protein (p.Arg303Cys). This variant is present in population databases (rs140937765, gnomAD 0.007%). This variant has not been reported in the literature in individuals affected with CARD8-related conditions. ClinVar contains an entry for this variant (Variation ID: 2176873). An algorithm developed to predict the effect of missense changes on protein structure and function (PolyPhen-2) suggests that this variant is likely to be disruptive. In summary, the available evidence is currently insufficient to determine the role of this variant in disease. Therefore, it has been classified as a Variant of Uncertain Significance.

Ambry Genetics
Classification: Uncertain significance. Last evaluated: 2025-04-13. Review status: criteria provided, single submitter. Criteria: Ambry Variant Classification Scheme 2023. Collection method: clinical testing. Allele origin: germline.

PreventionGenetics, part of Exact Sciences
Classification: Uncertain significance for CARD8-related condition. Last evaluated: 2025-01-21. Review status: criteria provided, single submitter. Criteria: ACMG Guidelines, 2015. Collection method: clinical testing. Allele origin: germline.
Comment: The CARD8 c.1057C>T variant is predicted to result in the amino acid substitution p.Arg353Cys. To our knowledge, this variant has not been reported in the literature. This variant is reported in 0.012% of alleles in individuals of African descent in gnomAD. At this time, the clinical significance of this variant is uncertain due to the absence of conclusive functional and genetic evidence.